The following is an entry in ClinVar:

ClinVar aggregate classification (germline): Conflicting classifications of pathogenicity. Review status: criteria provided, conflicting classifications (1 of 4 stars). 3 submissions from 3 submitters: Likely pathogenic (1); Uncertain significance (2). Last evaluated 2024-11-22.

Conditions:
NOTCH2-related disorder. Also called: NOTCH2-related condition.
Premature ovarian insufficiency (POF). Also called: Premature ovarian failure. Identifiers: MedGen C4303540, HP:0008209.
Hajdu-Cheney syndrome (HJCYS). Also called: Acroosteolysis dominant type; SERPENTINE FIBULA-POLYCYSTIC KIDNEY SYNDROME; ACROOSTEOLYSIS WITH OSTEOPOROSIS AND CHANGES IN SKULL AND MANDIBLE. Identifiers: Orphanet 955, MedGen C0917715, MONDO:0007057, OMIM 102500.

Allele frequency attached by ClinVar (database versions not stated): gnomAD exomes below 0.00001 and 0.00001; gnomAD 0.00001.
gnomAD v4.1: 9 of 1,613,980 alleles (0.00056%); highest among the groups gnomAD compares: African/African-American, 0.0067%; no homozygotes.

Submissions (3):

PreventionGenetics, part of Exact Sciences
Classification: Uncertain significance for NOTCH2-related condition. Last evaluated: 2024-11-22. Review status: criteria provided, single submitter. Criteria: ACMG Guidelines, 2015. Collection method: clinical testing. Allele origin: germline.
Comment: The NOTCH2 c.5105G>A variant is predicted to result in the amino acid substitution p.Arg1702Gln. This variant has been reported in a cohort of patient with primary ovarian insufficiency (IPOI33 in Bestetti et al. 2021. PubMed ID: 34480478). This variant is reported in 0.0054% of alleles in individuals of East Asian descent in gnomAD. At this time, the clinical significance of this variant is uncertain due to the absence of conclusive functional and genetic evidence.

Labcorp Genetics (formerly Invitae), Labcorp
Classification: Uncertain significance for Hajdu-Cheney syndrome. Last evaluated: 2022-08-16. Review status: criteria provided, single submitter. Criteria: Invitae Variant Classification Sherloc (09022015). Collection method: clinical testing. Allele origin: germline.
Comment: This sequence change replaces arginine, which is basic and polar, with glutamine, which is neutral and polar, at codon 1702 of the NOTCH2 protein (p.Arg1702Gln). This variant is present in population databases (no rsID available, gnomAD 0.006%). Advanced modeling of protein sequence and biophysical properties (such as structural, functional, and spatial information, amino acid conservation, physicochemical variation, residue mobility, and thermodynamic stability) performed at Invitae indicates that this missense variant is expected to disrupt NOTCH2 protein function. ClinVar contains an entry for this variant (Variation ID: 929740). This variant has not been reported in the literature in individuals affected with NOTCH2-related conditions. In summary, the available evidence is currently insufficient to determine the role of this variant in disease. Therefore, it has been classified as a Variant of Uncertain Significance.

Medical Cytogenetics and Molecular Genetics Laboratory, IRCCS Istituto Auxologico Italiano
Classification: Likely pathogenic for Premature ovarian failure. Last evaluated: 2020-03-02. Review status: criteria provided, single submitter. Criteria: ACMG Guidelines, 2015. Collection method: research. Allele origin: germline. Affected: yes. Observed: 1 variant allele.

NM_024408.4(NOTCH2):c.5105G>A (p.Arg1702Gln)

Gene: NOTCH2 (notch receptor 2; minus strand). Cytogenetic location: 1p12.
Variant type: single nucleotide variant.
Coding change: c.5105G>A on transcript NM_024408.4 (MANE Select); coding-DNA position 5105, G replaced by A.
Protein change: p.Arg1702Gln; replaces arginine 1702 with glutamine.
Molecular consequence: missense variant.
Genome position (GRCh38, 1-based): chr1:119,922,344, C>T on the plus strand (G>A on the coding strand, the complement: NOTCH2 is on the minus strand). VCF-style: chr1-119922344-C-T. GRCh37 (hg19) VCF-style: chr1-120464967-C-T.
Other names: c.5105G>A (NM_024408.3); short protein forms R1702Q.
Identifiers: ClinVar variation 929740 (VCV000929740.9), dbSNP rs999822357, ClinGen allele CA341886958.
Genomic context (GRCh38, chr1:119,922,344, plus strand): 5'-CTTGCATCTCGGCGAAGAGTGAAACCTTCAGGCAGCCAGAGAGAGCCATGCTTACGCTTT[C>T]GTTTTGCCATGATTACCCCCAGCAGAATAATAAACAGAATGATGACAACAGCAACAGCAA-3'
Protein context (NP_077719.2, residues 1692-1712): IILLGVIMAK[Arg1702Gln]KRKHGSLWLP